The following is an entry in ClinVar:

NM_030787.4(CFHR5):c.361del (p.Gln121fs)

Gene: CFHR5 (complement factor H related 5; plus strand). Cytogenetic location: 1q31.3.
Variant type: Deletion.
Coding change: c.361del on transcript NM_030787.4 (MANE Select); coding-DNA position 361, one base deleted (C; older notation c.361delC).
Protein change: p.Gln121fs; shifts the reading frame from glutamine 121.
Molecular consequence: frameshift variant.
Genome position (GRCh38, 1-based): chr1:196,984,068, C deleted. VCF-style (leftmost placement, unchanged base first): chr1-196984067-TC-T. GRCh37 (hg19) VCF-style: chr1-196953197-TC-T.
Other names: short protein forms Q121fs.
Identifiers: ClinVar variation 3250460 (VCV003250460.1), dbSNP rs778029757.

ClinVar aggregate classification (germline): Uncertain significance (1 of 4 stars; one submission).

Conditions:
C3 glomerulonephritis. Also called: C3 GLOMERULOPATHY 3; Nephropathy due to CFHR5 Deficiency. Identifiers: Orphanet 329931, MedGen C4055342, MONDO:0013892, OMIM 614809.

Allele frequency attached by ClinVar (database versions not stated): TOPMed below 0.00001; gnomAD 0.00001; gnomAD exomes 0.00003; ExAC 0.00007.

Submission:

Neuberg Centre For Genomic Medicine, NCGM
Classification: Uncertain significance for C3 glomerulonephritis. Review status: criteria provided, single submitter. Criteria: ACMG Guidelines, 2015. Collection method: clinical testing. Allele origin: germline. Inheritance: Autosomal dominant inheritance. Affected: yes.
Comment: The frame shift c.361del(p.Gln121LysfsTer10) variant in CFHR5 gene has not been reported previously as a pathogenic variant nor as a benign variant, to our knowledge. The observed variant has allele frequency of 0.005% in gnomAD exomes database. This variant has not been submitted to the ClinVar database. This variant causes a frameshift starting with codon Glutamine 121, changes this amino acid to Lysine residue, and creates a premature Stop codon at position 10 of the new reading frame, denoted p.Gln121LysfsTer10. As loss of function variants are not reported in this gene, and pLI score is low, for these reasons, this variant is classified as Uncertain Significance (VUS).